The following is an entry in ClinVar:

ClinVar aggregate classification (germline): Likely benign. Review status: criteria provided, multiple submitters, no conflicts (2 of 4 stars). 2 submissions from 2 submitters: Likely benign (2). Last evaluated 2019-10-01.

Conditions:
Hereditary cancer-predisposing syndrome. Also called: Hereditary neoplastic syndrome; Hereditary Cancer Syndrome; Neoplastic Syndromes, Hereditary; Tumor predisposition. Identifiers: Orphanet 140162, MedGen C0027672, MeSH D009386, MONDO:0015356.

gnomAD v4.1: 1 of 1,611,636 alleles (0.000062%); no homozygotes.

Submissions (2):

Ambry Genetics
Classification: Likely benign for Hereditary cancer-predisposing syndrome. Last evaluated: 2019-10-01. Review status: criteria provided, single submitter. Criteria: Ambry Variant Classification Scheme 2023. Collection method: clinical testing. Allele origin: germline.

GeneDx
Classification: Likely benign. Last evaluated: 2017-03-17. Review status: criteria provided, single submitter. Criteria: GeneDx Variant Classification (06012015). Collection method: clinical testing. Allele origin: germline. Affected: yes.
Comment: This variant is considered likely benign or benign based on one or more of the following criteria: it is a conservative change, it occurs at a poorly conserved position in the protein, it is predicted to be benign by multiple in silico algorithms, and/or has population frequency not consistent with disease.

NM_005431.2(XRCC2):c.177T>C (p.Tyr59=)

Gene: XRCC2 (X-ray repair cross complementing 2; minus strand). Cytogenetic location: 7q36.1.
Variant type: single nucleotide variant.
Coding change: c.177T>C on transcript NM_005431.2 (MANE Select); coding-DNA position 177, T replaced by C.
Protein change: p.Tyr59=; no amino-acid change (tyrosine 59 retained).
Molecular consequence: synonymous variant.
Genome position (GRCh38, 1-based): chr7:152,649,308, A>G on the plus strand (T>C on the coding strand, the complement: XRCC2 is on the minus strand). VCF-style: chr7-152649308-A-G. GRCh37 (hg19) VCF-style: chr7-152346393-A-G.
Identifiers: ClinVar variation 508294 (VCV000508294.3), dbSNP rs1554410569, ClinGen allele CA458895531.